The following is an entry in ClinVar:

ClinVar aggregate classification (germline): Conflicting classifications of pathogenicity. Review status: criteria provided, conflicting classifications (1 of 4 stars). 6 submissions from 6 submitters: Pathogenic (1); Uncertain significance (5). Last evaluated 2025-05-29.

Conditions:
Spastic ataxia. Identifiers: Orphanet 316226, MedGen C1849156, MONDO:0017845, HP:0002497.
Neurodegeneration with brain iron accumulation 2B. Also called: aNAD; atypical Neuroaxonal Dystrophy (aNAD); NEUROAXONAL DYSTROPHY, ATYPICAL; NEURODEGENERATION WITH BRAIN IRON ACCUMULATION, PLA2G6-RELATED. Identifiers: Orphanet 35069, MedGen C1857747, MONDO:0012444, OMIM 610217.
Infantile neuroaxonal dystrophy (NBIA2A). Also called: Infantile neuroaxonal dystrophy 1; SEITELBERGER DISEASE; NEURODEGENERATION WITH BRAIN IRON ACCUMULATION 2A. Identifiers: Orphanet 35069, MedGen C0270724, MONDO:0024457, OMIM 256600.
Autosomal recessive Parkinson disease 14. Also called: DYSTONIA-PARKINSONISM, ADULT-ONSET; PARKINSON DISEASE 14. Identifiers: Orphanet 199351, MedGen C2751842, MONDO:0013060, OMIM 612953.
PLA2G6-associated neurodegeneration (PLAN). Also called: phospholipase A2-associated neurodegeneration. Identifiers: Orphanet 329303, MedGen CN204472, MONDO:0017998.

Allele frequency attached by ClinVar (database versions not stated): gnomAD 0.00002; TOPMed 0.00004; gnomAD exomes 0.00005 and 0.00009; ExAC 0.00010.
gnomAD v4.1: 73 of 1,610,408 alleles (0.0045%); highest among the groups gnomAD compares: Admixed American, 0.048%; no homozygotes.

Submissions (7):

Dasa
Classification: Uncertain significance. Last evaluated: 2025-05-29. Review status: criteria provided, single submitter. Criteria: DASA Assertion Criteria. Collection method: clinical testing. Allele origin: germline.
Comment: NM_003560.4(PLA2G6):c.209G>A (p.Arg70Gln) is a missense variant that results in the substitution of arginine with glutamine. This variant is rare in population databases. Computational prediction algorithms are consistent with a deleterious effect. The currently available literature and clinical evidence are not sufficient to establish a definitive association between this variant and the reported condition. Therefore, this variant is classified as a variant of uncertain significance.

Labcorp Genetics (formerly Invitae), Labcorp
Classification: Uncertain significance for Infantile neuroaxonal dystrophy. Last evaluated: 2022-08-23. Review status: criteria provided, single submitter. Criteria: Invitae Variant Classification Sherloc (09022015). Collection method: clinical testing. Allele origin: germline.
Comment: This sequence change replaces arginine, which is basic and polar, with glutamine, which is neutral and polar, at codon 70 of the PLA2G6 protein (p.Arg70Gln). This variant also falls at the last nucleotide of exon 2, which is part of the consensus splice site for this exon. This variant is present in population databases (rs11570607, gnomAD 0.05%). This variant has not been reported in the literature in individuals affected with PLA2G6-related conditions. ClinVar contains an entry for this variant (Variation ID: 374459). Algorithms developed to predict the effect of missense changes on protein structure and function are either unavailable or do not agree on the potential impact of this missense change (SIFT: "Tolerated"; PolyPhen-2: "Probably Damaging"; Align-GVGD: "Class C0"). Variants that disrupt the consensus splice site are a relatively common cause of aberrant splicing (PMID: 17576681, 9536098). Algorithms developed to predict the effect of sequence changes on RNA splicing suggest that this variant may disrupt the consensus splice site. In summary, the available evidence is currently insufficient to determine the role of this variant in disease. Therefore, it has been classified as a Variant of Uncertain Significance.

Department of Pathology and Laboratory Medicine, Sinai Health System
Classification: Uncertain significance for Infantile neuroaxonal dystrophy; Neurodegeneration with brain iron accumulation 2B; Autosomal recessive Parkinson disease 14. Last evaluated: 2022-02-17. Review status: criteria provided, single submitter. Criteria: ACMG Guidelines, 2015. Collection method: research. Allele origin: germline.

Molecular Medicine for Neurodegenerative and Neuromuscular Diseases Unit, IRCCS Fondazione Stella Maris
Classification: Pathogenic for Spastic ataxia. Last evaluated: 2021-07-12. Review status: criteria provided, single submitter. Criteria: ACMG Guidelines, 2015. Collection method: research. Allele origin: unknown. Affected: yes.

Illumina Laboratory Services, Illumina
Classification: Uncertain significance for PLA2G6-associated neurodegeneration. Last evaluated: 2017-04-27. Review status: criteria provided, single submitter. Criteria: ICSL Variant Classification Criteria 13 December 2019. Collection method: clinical testing. Allele origin: germline.

CeGaT Center for Human Genetics Tuebingen
Classification: Uncertain significance. Last evaluated: 2017-02-01. Review status: criteria provided, single submitter. Criteria: CeGaT Center For Human Genetics Tuebingen Variant Classification Criteria Version 2. Collection method: clinical testing. Allele origin: germline. Affected: yes. Observed: 1 variant allele.

Dr. Peter K. Rogan Lab, Western University
No classification provided (evidence only). Condition: Acute myeloid leukemia. Review status: no classification provided. Collection method: in vitro. Allele origin: not applicable. Functional consequence: retained intron. Not counted in ClinVar's aggregate classification.

Literature cited by the submitters: PubMed 17576681 (cited by Labcorp Genetics (formerly Invitae), Labcorp); PubMed 9536098 (cited by Labcorp Genetics (formerly Invitae), Labcorp).

NM_003560.4(PLA2G6):c.209G>A (p.Arg70Gln)

Gene: PLA2G6 (phospholipase A2 group VI; minus strand). Cytogenetic location: 22q13.1.
Variant type: single nucleotide variant.
Coding change: c.209G>A on transcript NM_003560.4 (MANE Select); coding-DNA position 209, G replaced by A.
Protein change: p.Arg70Gln; replaces arginine 70 with glutamine.
Molecular consequence: missense variant. On other transcripts: 5 prime UTR variant (3).
Genome position (GRCh38, 1-based): chr22:38,169,218, C>T on the plus strand (G>A on the coding strand, the complement: PLA2G6 is on the minus strand). VCF-style: chr22-38169218-C-T. GRCh37 (hg19) VCF-style: chr22-38565225-C-T.
Other names: c.209G>A, p.Arg70Gln (NM_001004426.3, NM_001199562.3, NM_001349864.2 and 2 more transcripts); c.-457G>A (NM_001349867.2, NM_001349869.2); c.-282G>A (NM_001349868.2); short protein forms R70Q.
Identifiers: ClinVar variation 374459 (VCV000374459.56), dbSNP rs11570607, ClinGen allele CA10231350.